The following is an entry in ClinVar:

NM_001353345.2(SETD1B):c.4394C>A (p.Pro1465Gln)

Gene: SETD1B (SET domain containing 1B, histone lysine methyltransferase; plus strand). Cytogenetic location: 12q24.31.
Variant type: single nucleotide variant.
Coding change: c.4394C>A on transcript NM_001353345.2 (MANE Select); coding-DNA position 4394, C replaced by A.
Protein change: p.Pro1465Gln; replaces proline 1465 with glutamine.
Molecular consequence: missense variant.
Genome position (GRCh38, 1-based): chr12:121,822,973, C>A. VCF-style: chr12-121822973-C-A. GRCh37 (hg19) VCF-style: chr12-122260879-C-A.
Other names: NM_015048.1:c.4265C>A; short protein forms P1465Q.
Identifiers: ClinVar variation 3036469 (VCV003036469.2), dbSNP rs542008950, ClinGen allele CA6839180.
Genomic context (GRCh38, chr12:121,822,973, plus strand): 5'-TGCCCGTCTGCCCACTCCCCACTGGCCGACGCGATGAACGCTCCGGGCCCCTGGCCTCCC[C>A]GGTGCTCCTGGAGACGGGCCTGCCCCTCCCTCTGCCCCTTCCCCTGCCCTTGCCCTTGGC-3'
Protein context (NP_001340274.1, residues 1455-1475): RDERSGPLAS[Pro1465Gln]VLLETGLPLP

ClinVar aggregate classification (germline): Likely benign (0 of 4 stars; one submission).

Conditions:
SETD1B-related disorder. Also called: SETD1B-related condition.

Allele frequency attached by ClinVar (database versions not stated): 1000 Genomes Project 30x 0.00016; 1000 Genomes Project 0.00020; ExAC 0.00053.
gnomAD v4.1: 99 of 1,537,550 alleles (0.0064%); highest among the groups gnomAD compares: South Asian, 0.11%; 1 homozygote.

Submission:

PreventionGenetics, part of Exact Sciences
Classification: Likely benign for SETD1B-related condition. Last evaluated: 2022-04-22. Review status: no assertion criteria provided. Collection method: clinical testing. Allele origin: germline.
Comment: This variant is classified as likely benign based on ACMG/AMP sequence variant interpretation guidelines (Richards et al. 2015 PMID: 25741868, with internal and published modifications).